The following is an entry in ClinVar:

NM_000368.5(TSC1):c.1334-30_1344del

Gene: TSC1 (TSC complex subunit 1; minus strand). Cytogenetic location: 9q34.13.
Variant type: Deletion.
Coding change: c.1334-30_1344del on transcript NM_000368.5 (MANE Select); 30 bases into the intron before coding-DNA position 1334 through coding-DNA position 1344, 41 bases deleted.
Molecular consequence: splice acceptor variant.
Genome position (GRCh38, 1-based): chr9:132,906,825-132,906,865, 41 bases deleted; deleting any 41 consecutive bases within chr9:132,906,825-132,906,867 gives the same sequence; the c. name uses the placement nearest the transcript's 3' end. GRCh37 (hg19): chr9:135,782,214-135,782,254.
Other names: c.968-30_978del (NM_001406620.1, NM_001406625.1, NM_001406621.1 and 2 more transcripts); c.971-30_981del (NM_001406618.1, NM_001406617.1, NM_001406619.1 and 5 more transcripts); c.1178-30_1188del (NM_001406613.1, NM_001406612.1, NM_001406611.1); c.1181-30_1191del (NM_001406610.1, NM_001162427.2); c.380-30_390del (NM_001406627.1, NM_001406628.1); c.281-30_291del (NM_001406629.1, NM_001406630.1); c.1331-30_1341del (NM_001406603.1, NM_001406609.1, NM_001406597.1 and 6 more transcripts); c.1334-30_1344del (NM_001406602.1, NM_001406606.1, NM_001406592.1 and 7 more transcripts); and 1 more.
Identifiers: ClinVar variation 2830402 (VCV002830402.3), dbSNP rs2538772369, ClinGen allele CA2739264846.

ClinVar aggregate classification (germline): Likely pathogenic (1 of 4 stars; one submission).

Conditions:
Tuberous sclerosis 1 (TSC1). Identifiers: Orphanet 805, MedGen C1854465, MONDO:0008612, OMIM 191100.

Submission:

Labcorp Genetics (formerly Invitae), Labcorp
Classification: Likely pathogenic for Tuberous sclerosis 1. Last evaluated: 2023-01-20. Review status: criteria provided, single submitter. Criteria: Invitae Variant Classification Sherloc (09022015). Collection method: clinical testing. Allele origin: germline.
Comment: This variant results in the deletion of part of exon 14 (c.1334-30_1344del) of the TSC1 gene. It is expected to disrupt RNA splicing. Variants that disrupt the donor or acceptor splice site typically lead to a loss of protein function (PMID: 16199547), and loss-of-function variants in TSC1 are known to be pathogenic (PMID: 10227394, 17304050). This variant is not present in population databases (gnomAD no frequency). This variant has not been reported in the literature in individuals affected with TSC1-related conditions. Algorithms developed to predict the effect of sequence changes on RNA splicing suggest that this variant may disrupt the consensus splice site. In summary, the currently available evidence indicates that the variant is pathogenic, but additional data are needed to prove that conclusively. Therefore, this variant has been classified as Likely Pathogenic.

Literature cited by the submitters: PubMed 16199547; PubMed 10227394; PubMed 17304050.